The following is an entry in ClinVar:

ClinVar aggregate classification (germline): Uncertain significance (1 of 4 stars; one submission).

Conditions:
Cohen syndrome (COH1). Also called: PEPPER SYNDROME; Cutis verticis gyrata, retinitis pigmentosa, and sensorineural deafness. Identifiers: Orphanet 193, MedGen C0265223, MONDO:0008999, OMIM 216550.

Submission:

Labcorp Genetics (formerly Invitae), Labcorp
Classification: Uncertain significance for Cohen syndrome. Last evaluated: 2021-12-21. Review status: criteria provided, single submitter. Criteria: Invitae Variant Classification Sherloc (09022015). Collection method: clinical testing. Allele origin: germline.
Comment: In summary, the available evidence is currently insufficient to determine the role of this variant in disease. Therefore, it has been classified as a Variant of Uncertain Significance. Algorithms developed to predict the effect of sequence changes on RNA splicing suggest that this variant may disrupt the consensus splice site. Algorithms developed to predict the effect of missense changes on protein structure and function are either unavailable or do not agree on the potential impact of this missense change (SIFT: "Not Available"; PolyPhen-2: "Possibly Damaging"; Align-GVGD: "Not Available"). This variant has not been reported in the literature in individuals affected with VPS13B-related conditions. This variant is not present in population databases (gnomAD no frequency). This sequence change replaces lysine, which is basic and polar, with arginine, which is basic and polar, at codon 254 of the VPS13B protein (p.Lys254Arg).

NM_152564.5(VPS13B):c.761A>G (p.Lys254Arg)

Gene: VPS13B (vacuolar protein sorting 13 homolog B; plus strand). Cytogenetic location: 8q22.2.
Variant type: single nucleotide variant.
Coding change: c.761A>G on transcript NM_152564.5 (MANE Select); coding-DNA position 761, A replaced by G.
Protein change: p.Lys254Arg; replaces lysine 254 with arginine.
Molecular consequence: missense variant. On other transcripts: non-coding transcript variant (1).
Genome position (GRCh38, 1-based): chr8:99,111,278, A>G. VCF-style: chr8-99111278-A-G. GRCh37 (hg19) VCF-style: chr8-100123506-A-G.
Other names: c.761A>G, p.Lys254Arg (NM_015243.3, NM_017890.5, NM_181661.3); short protein forms K254R.
Identifiers: ClinVar variation 2038004 (VCV002038004.4), dbSNP rs2488672761, ClinGen allele CA371860326.